The following is an entry in ClinVar:

ClinVar aggregate classification (germline): Likely pathogenic (1 of 4 stars; one submission).

gnomAD v4.1: 1 of 1,613,804 alleles (0.000062%); highest among the groups gnomAD compares: Non-Finnish European, 0.000085%; no homozygotes.

Submission:

Mayo Clinic Laboratories, Mayo Clinic
Classification: Likely pathogenic. Last evaluated: 2020-01-26. Review status: criteria provided, single submitter. Criteria: ACMG Guidelines, 2015. Collection method: clinical testing. Allele origin: germline. Observed: 1 variant allele.
Comment: PVS1, PM2

NM_003126.4(SPTA1):c.4767G>A (p.Trp1589Ter)

Gene: SPTA1 (spectrin alpha, erythrocytic 1; minus strand). Cytogenetic location: 1q23.1.
Variant type: single nucleotide variant.
Coding change: c.4767G>A on transcript NM_003126.4 (MANE Select); coding-DNA position 4767, G replaced by A.
Protein change: p.Trp1589Ter; replaces tryptophan 1589 with a stop codon.
Molecular consequence: nonsense.
Genome position (GRCh38, 1-based): chr1:158,639,978, C>T on the plus strand (G>A on the coding strand, the complement: SPTA1 is on the minus strand). VCF-style: chr1-158639978-C-T. GRCh37 (hg19) VCF-style: chr1-158609768-C-T.
Other names: short protein forms W1589*.
Identifiers: ClinVar variation 1162863 (VCV001162863.5), dbSNP rs2101819646, ClinGen allele CA343029706.